The following is an entry in ClinVar:

ClinVar aggregate classification (germline): Uncertain significance. Review status: criteria provided, multiple submitters, no conflicts (2 of 4 stars). 3 submissions from 3 submitters: Uncertain significance (2). 1 of the submissions does not count toward it. Last evaluated 2022-03-12.

Conditions:
Usher syndrome type 1 (USH1). Also called: RETINITIS PIGMENTOSA AND CONGENITAL DEAFNESS. Identifiers: Orphanet 231169, Orphanet 886, MedGen C1568247, MONDO:0010168, OMIM 276900.
Hearing impairment. Also called: Impaired Hearing. Identifiers: MedGen C1384666, MONDO:0005365, HP:0000365.

Allele frequency attached by ClinVar (database versions not stated): gnomAD 0.00001; gnomAD exomes 0.00001 and 0.00002; TOPMed 0.00001; ExAC 0.00002.
gnomAD v4.1: 29 of 1,613,888 alleles (0.0018%); highest among the groups gnomAD compares: Non-Finnish European, 0.0014%; no homozygotes.

Submissions (3):

Labcorp Genetics (formerly Invitae), Labcorp
Classification: Uncertain significance. Last evaluated: 2022-03-12. Review status: criteria provided, single submitter. Criteria: Invitae Variant Classification Sherloc (09022015). Collection method: clinical testing. Allele origin: germline.
Comment: This sequence change replaces asparagine, which is neutral and polar, with aspartic acid, which is acidic and polar, at codon 1149 of the CDH23 protein (p.Asn1149Asp). This variant is present in population databases (rs754128851, gnomAD 0.03%). This variant has not been reported in the literature in individuals affected with CDH23-related conditions. ClinVar contains an entry for this variant (Variation ID: 941944). Algorithms developed to predict the effect of missense changes on protein structure and function are either unavailable or do not agree on the potential impact of this missense change (SIFT: "Deleterious"; PolyPhen-2: "Not Available"; Align-GVGD: "Class C15"). In summary, the available evidence is currently insufficient to determine the role of this variant in disease. Therefore, it has been classified as a Variant of Uncertain Significance.

Department of Otolaryngology – Head & Neck Surgery, Cochlear Implant Center
Classification: Uncertain significance for Hearing impairment. Last evaluated: 2021-04-12. Review status: criteria provided, single submitter. Criteria: ClinGen HL ACMG Specifications v1. Collection method: clinical testing. Allele origin: germline. Affected: yes.
Comment: PM2_Moderate, BP4_Supporting

Natera, Inc.
Classification: Uncertain significance for Usher syndrome type 1. Last evaluated: 2020-02-13. Review status: no assertion criteria provided. Collection method: clinical testing. Allele origin: germline. Not counted in ClinVar's aggregate classification.

NM_022124.6(CDH23):c.3445A>G (p.Asn1149Asp)

Genes: C10orf105 (chromosome 10 open reading frame 105; minus strand), CDH23 (cadherin related 23; plus strand). Cytogenetic location: 10q22.1.
Variant type: single nucleotide variant.
Coding change: c.3445A>G on transcript NM_022124.6 (MANE Select); coding-DNA position 3445, A replaced by G.
Protein change: p.Asn1149Asp; replaces asparagine 1149 with aspartic acid.
Molecular consequence: missense variant. On other transcripts: intron variant (1).
Genome position (GRCh38, 1-based): chr10:71,725,386, A>G. VCF-style: chr10-71725386-A-G. GRCh37 (hg19) VCF-style: chr10-73485143-A-G.
Other names: c.-5-9044T>C (NM_001168390.2); c.3445A>G, p.Asn1149Asp (NM_001171930.2); short protein forms N1149D.
Identifiers: ClinVar variation 941944 (VCV000941944.9), dbSNP rs754128851, ClinGen allele CA5544735.